The following is an entry in ClinVar:

ClinVar aggregate classification (germline): Uncertain significance (1 of 4 stars; one submission).

gnomAD v4.1: 1 of 1,614,168 alleles (0.000062%); highest among the groups gnomAD compares: South Asian, 0.0011%; no homozygotes.

Submission:

Ambry Genetics
Classification: Uncertain significance. Last evaluated: 2024-11-15. Review status: criteria provided, single submitter. Criteria: Ambry Variant Classification Scheme 2023. Collection method: clinical testing. Allele origin: germline.
Comment: The p.S53T variant (also known as c.157T>A), located in coding exon 1 of the PALLD gene, results from a T to A substitution at nucleotide position 157. The serine at codon 53 is replaced by threonine, an amino acid with similar properties. This amino acid position is conserved. In addition, this alteration is predicted to be tolerated by in silico analysis. Based on the available evidence, the clinical significance of this variant remains unclear.

NM_001166108.2(PALLD):c.157T>A (p.Ser53Thr)

Gene: PALLD (palladin, cytoskeletal associated protein; plus strand). Cytogenetic location: 4q32.3.
Variant type: single nucleotide variant.
Coding change: c.157T>A on transcript NM_001166108.2 (MANE Select); coding-DNA position 157, T replaced by A.
Protein change: p.Ser53Thr; replaces serine 53 with threonine.
Molecular consequence: missense variant.
Genome position (GRCh38, 1-based): chr4:168,511,661, T>A. VCF-style: chr4-168511661-T-A. GRCh37 (hg19) VCF-style: chr4-169432812-T-A.
Other names: c.157T>A, p.Ser53Thr (NM_016081.4); short protein forms S53T.
Identifiers: ClinVar variation 3413667 (VCV003413667.1).
Genomic context (GRCh38, chr4:168,511,661, plus strand): 5'-TTCCTCAGCCAGGAAGAGATAAACAAGAGTCTTGACCTGGCCCGGAGAGCCATAGCCGAC[T>A]CCGAAACAGAAGATTTTGACTCGGAAAAGGAGATCTCGCAGATTTTCAGTACTTCTCCTG-3'
Protein context (NP_001159580.1, residues 43-63): LDLARRAIAD[Ser53Thr]ETEDFDSEKE